The following is an entry in ClinVar:

ClinVar aggregate classification (germline): Conflicting classifications of pathogenicity. Review status: criteria provided, conflicting classifications (1 of 4 stars). 3 submissions from 3 submitters: Uncertain significance (1); Likely benign (1). 1 of the submissions does not count toward it. Last evaluated 2024-02-07.

Conditions:
FANCG-related disorder. Also called: FANCG-related condition.
Fanconi anemia (FA). Also called: Fanconi's anemia. Identifiers: Orphanet 84, MedGen C0015625, MeSH D005199, MONDO:0019391.

Allele frequency attached by ClinVar (database versions not stated): gnomAD exomes below 0.00001 and 0.00002; TOPMed below 0.00001; ExAC 0.00003; ESP Exome Variant Server 0.00008.
gnomAD v4.1: 7 of 1,614,132 alleles (0.00043%); highest among the groups gnomAD compares: East Asian, 0.0022%; no homozygotes.

Submissions (3):

Labcorp Genetics (formerly Invitae), Labcorp
Classification: Likely benign for Fanconi anemia. Last evaluated: 2024-02-07. Review status: criteria provided, single submitter. Criteria: Invitae Variant Classification Sherloc (09022015). Collection method: clinical testing. Allele origin: germline.

Institute for Clinical Genetics, University Hospital TU Dresden, University Hospital TU Dresden
Classification: Uncertain significance. Last evaluated: 2021-11-03. Review status: criteria provided, single submitter. Criteria: ACMG Guidelines, 2015. Collection method: clinical testing. Allele origin: germline.

PreventionGenetics, part of Exact Sciences
Classification: Likely benign for FANCG-related condition. Last evaluated: 2019-05-28. Review status: no assertion criteria provided. Collection method: clinical testing. Allele origin: germline. Not counted in ClinVar's aggregate classification.
Comment: This variant is classified as likely benign based on ACMG/AMP sequence variant interpretation guidelines (Richards et al. 2015 PMID: 25741868, with internal and published modifications).

NM_004629.2(FANCG):c.176-10G>A

Gene: FANCG (FA complementation group G; minus strand). Cytogenetic location: 9p13.3.
Variant type: single nucleotide variant.
Coding change: c.176-10G>A on transcript NM_004629.2 (MANE Select); 10 bases into the intron before coding-DNA position 176, G replaced by A.
Molecular consequence: intron variant.
Genome position (GRCh38, 1-based): chr9:35,078,746, C>T on the plus strand (G>A on the coding strand, the complement: FANCG is on the minus strand). VCF-style: chr9-35078746-C-T. GRCh37 (hg19) VCF-style: chr9-35078743-C-T.
Identifiers: ClinVar variation 1085421 (VCV001085421.13), dbSNP rs376273679, ClinGen allele CA5040108.
Genomic context (GRCh38, chr9:35,078,746, plus strand): 5'-TGCAGGTGACAGTCAGCTCCAAGGGAAGAACAGGAACAGCTGCAGGGAGCCCTGGAGCAA[C>T]AATGTTGGTCTTACAGACTGCTCCCCCATGGAAGATCCTCCAAATAAAATCCCAACTCAG-3'